The following is an entry in ClinVar:

ClinVar aggregate classification (germline): Pathogenic/Likely pathogenic. Review status: criteria provided, multiple submitters, no conflicts (2 of 4 stars). 2 submissions from 2 submitters: Pathogenic (1); Likely pathogenic (1). Last evaluated 2023-04-09.

Conditions:
Neurodegeneration with brain iron accumulation 5 (NBIA5). Also called: Beta-propeller protein-associated neurodegeneration; STATIC ENCEPHALOPATHY OF CHILDHOOD WITH NEURODEGENERATION IN ADULTHOOD. Identifiers: Orphanet 329284, MedGen C3550973, MONDO:0010476, OMIM 300894.
WDR45-related disorder. Also called: WDR45-related condition.

Submissions (2):

Labcorp Genetics (formerly Invitae), Labcorp
Classification: Pathogenic for Neurodegeneration with brain iron accumulation 5. Last evaluated: 2023-04-09. Review status: criteria provided, single submitter. Criteria: Invitae Variant Classification Sherloc (09022015). Collection method: clinical testing. Allele origin: germline.
Comment: This variant has not been reported in the literature in individuals affected with WDR45-related conditions. For these reasons, this variant has been classified as Pathogenic. This variant is not present in population databases (gnomAD no frequency). This sequence change creates a premature translational stop signal (p.Phe137Serfs*23) in the WDR45 gene. It is expected to result in an absent or disrupted protein product. Loss-of-function variants in WDR45 are known to be pathogenic (PMID: 23176820, 24368176, 24621584, 25744623, 26790960, 27030146, 27652284, 28554332).

Blueprint Genetics
Classification: Likely pathogenic for WDR45-related disorders. Last evaluated: 2021-02-24. Review status: criteria provided, single submitter. Criteria: ACMG Guidelines, 2015. Collection method: clinical testing. Allele origin: germline. Affected: yes. Observed: 1 variant allele.

Literature cited by the submitters: PubMed 23176820 (cited by Labcorp Genetics (formerly Invitae), Labcorp); PubMed 24368176 (cited by Labcorp Genetics (formerly Invitae), Labcorp); PubMed 24621584 (cited by Labcorp Genetics (formerly Invitae), Labcorp); PubMed 25744623 (cited by Labcorp Genetics (formerly Invitae), Labcorp); PubMed 26790960 (cited by Labcorp Genetics (formerly Invitae), Labcorp); PubMed 27030146 (cited by Labcorp Genetics (formerly Invitae), Labcorp); PubMed 27652284 (cited by Labcorp Genetics (formerly Invitae), Labcorp); PubMed 28554332 (cited by Labcorp Genetics (formerly Invitae), Labcorp).

NM_001029896.2(WDR45):c.406_409del (p.Phe136fs)

Gene: WDR45 (WD repeat domain 45; minus strand). Cytogenetic location: Xp11.23.
Variant type: Deletion.
Coding change: c.406_409del on transcript NM_001029896.2 (MANE Select); coding-DNA positions 406 to 409, 4 bases deleted (TTTG; older notation c.406_409delTTTG).
Protein change: p.Phe136fs; shifts the reading frame from phenylalanine 136.
Molecular consequence: frameshift variant.
Genome position (GRCh38, 1-based): chrX:49,076,457-49,076,460, CAAA deleted on the plus strand (TTTG on the coding strand, the reverse complement: WDR45 is on the minus strand); deleting any 4 consecutive bases within chrX:49,076,457-49,076,462 gives the same sequence; the c. name uses the placement nearest the transcript's 3' end. VCF-style (leftmost placement, unchanged base first): chrX-49076456-TCAAA-T. GRCh37 (hg19) VCF-style: chrX-48934115-TCAAA-T.
Other names: c.409_412del, p.Phe137fs (NM_007075.4); short protein forms F137fs, F136fs.
Identifiers: ClinVar variation 2854071 (VCV002854071.4), dbSNP rs2520263635, ClinGen allele CA2739273497.